The following is an entry in ClinVar:

NM_020988.3(GNAO1):c.715G>A (p.Glu239Lys)

Gene: GNAO1 (G protein subunit alpha o1; plus strand). Cytogenetic location: 16q13.
Variant type: single nucleotide variant.
Coding change: c.715G>A on transcript NM_020988.3 (MANE Select); coding-DNA position 715, G replaced by A.
Protein change: p.Glu239Lys; replaces glutamic acid 239 with lysine.
Molecular consequence: missense variant.
Genome position (GRCh38, 1-based): chr16:56,336,852, G>A. VCF-style: chr16-56336852-G-A. GRCh37 (hg19) VCF-style: chr16-56370764-G-A.
Other names: c.715G>A, p.Glu239Lys (NM_138736.3); short protein forms E239K.
Identifiers: ClinVar variation 2744165 (VCV002744165.3), dbSNP rs2506877082, ClinGen allele CA395952409.
Genomic context (GRCh38, chr16:56,336,852, plus strand): 5'-GTCACGGCCATCATTTTCTGTGTCGCGCTCAGCGGCTATGACCAGGTGCTCCACGAAGAC[G>A]AAACCACGGTGAGTGGCCTGGGCCCCCCGGGCAGGGGGCAGCGCTGAGGAGACGGCCGCA-3'
Protein context (NP_066268.1, residues 229-249): SGYDQVLHED[Glu239Lys]TTNRMHESLM

ClinVar aggregate classification (germline): Uncertain significance (1 of 4 stars; one submission).

Conditions:
Early-infantile DEE. Also called: Early infantile epileptic encephalopathy with suppression bursts; Early infantile epileptic encephalopathy; Ohtahara syndrome. Identifiers: Orphanet 1934, MedGen C0393706, MONDO:0800491.

Allele frequency attached by ClinVar (database versions not stated): gnomAD exomes below 0.00001.
gnomAD v4.1: 3 of 1,611,044 alleles (0.00019%); highest among the groups gnomAD compares: Non-Finnish European, 0.00025%; no homozygotes.

Submission:

Labcorp Genetics (formerly Invitae), Labcorp
Classification: Uncertain significance for Early-infantile DEE. Last evaluated: 2024-01-04. Review status: criteria provided, single submitter. Criteria: Invitae Variant Classification Sherloc (09022015). Collection method: clinical testing. Allele origin: germline.
Comment: This sequence change replaces glutamic acid, which is acidic and polar, with lysine, which is basic and polar, at codon 239 of the GNAO1 protein (p.Glu239Lys). This variant is not present in population databases (gnomAD no frequency). This variant has not been reported in the literature in individuals affected with GNAO1-related conditions. Advanced modeling of protein sequence and biophysical properties (such as structural, functional, and spatial information, amino acid conservation, physicochemical variation, residue mobility, and thermodynamic stability) has been performed at Invitae for this missense variant, however the output from this modeling did not meet the statistical confidence thresholds required to predict the impact of this variant on GNAO1 protein function. In summary, the available evidence is currently insufficient to determine the role of this variant in disease. Therefore, it has been classified as a Variant of Uncertain Significance.